The following is an entry in ClinVar:

NM_015466.4(PTPN23):c.498C>T (p.Ser166=)

Gene: PTPN23 (protein tyrosine phosphatase non-receptor type 23; plus strand). Cytogenetic location: 3p21.31.
Variant type: single nucleotide variant.
Coding change: c.498C>T on transcript NM_015466.4 (MANE Select); coding-DNA position 498, C replaced by T.
Protein change: p.Ser166=; no amino-acid change (serine 166 retained).
Molecular consequence: synonymous variant.
Genome position (GRCh38, 1-based): chr3:47,405,998, C>T. VCF-style: chr3-47405998-C-T. GRCh37 (hg19) VCF-style: chr3-47447488-C-T.
Other names: c.120C>T, p.Ser40= (NM_001304482.2).
Identifiers: ClinVar variation 3239164 (VCV003239164.19), dbSNP rs1202750800.

ClinVar aggregate classification (germline): Likely benign (1 of 4 stars; one submission).

Allele frequency attached by ClinVar (database versions not stated): gnomAD exomes below 0.00001; gnomAD 0.00001; TOPMed 0.00001.

Submission:

CeGaT Center for Human Genetics Tuebingen
Classification: Likely benign. Last evaluated: 2024-05-01. Review status: criteria provided, single submitter. Criteria: CeGaT Center For Human Genetics Tuebingen Variant Classification Criteria Version 2. Collection method: clinical testing. Allele origin: germline. Affected: yes. Observed: 1 variant allele.
Comment: PTPN23: BP4, BP7